The following is an entry in ClinVar:

ClinVar aggregate classification (germline): Benign/Likely benign. Review status: criteria provided, multiple submitters, no conflicts (2 of 4 stars). 5 submissions from 5 submitters: Benign (3); Likely benign (2). Last evaluated 2026-01-01.

Conditions:
DNAH2-related disorder. Also called: DNAH2-related condition.

Allele frequency attached by ClinVar (database versions not stated): 1000 Genomes Project 30x 0.00219; 1000 Genomes Project 0.00240; gnomAD exomes 0.00821 and 0.01270; ExAC 0.00843; TOPMed 0.00855; gnomAD 0.00873 and 0.00885; ESP Exome Variant Server 0.01007.
gnomAD v4.1: 19,817 of 1,614,182 alleles (1.2%); highest among the groups gnomAD compares: Non-Finnish European, 1.5%; 176 homozygotes.

Submissions (5):

CeGaT Center for Human Genetics Tuebingen
Classification: Benign. Last evaluated: 2026-01-01. Review status: criteria provided, single submitter. Criteria: CeGaT Center For Human Genetics Tuebingen Variant Classification Criteria Version 2. Collection method: clinical testing. Allele origin: germline. Affected: yes. Observed: 3 variant alleles.
Comment: DNAH2: BS1, BS2

PreventionGenetics, part of Exact Sciences
Classification: Benign for DNAH2-related condition. Last evaluated: 2024-12-27. Review status: criteria provided, single submitter. Criteria: ACMG Guidelines, 2015. Collection method: clinical testing. Allele origin: germline.
Comment: This variant is classified as benign based on ACMG/AMP sequence variant interpretation guidelines (Richards et al. 2015 PMID: 25741868, with internal and published modifications).

Labcorp Genetics (formerly Invitae), Labcorp
Classification: Benign. Last evaluated: 2019-12-31. Review status: criteria provided, single submitter. Criteria: Invitae Variant Classification Sherloc (09022015). Collection method: clinical testing. Allele origin: germline.

Laboratory for Molecular Medicine, Mass General Brigham Personalized Medicine
Classification: Likely benign. Last evaluated: 2016-03-29. Review status: criteria provided, single submitter. Criteria: LMM Criteria. Collection method: clinical testing. Allele origin: germline.
Comment: Variant identified in a genome or exome case(s) and assessed due to predicted null impact of the variant or pathogenic assertions in the literature or databases. Disclaimer: This variant has not undergone full assessment. The following are preliminary notes: Frequency

Breakthrough Genomics
Classification: Likely benign. Review status: criteria provided, single submitter. Criteria: ACMG Guidelines, 2015. Collection method: not provided. Allele origin: germline. Inheritance: Autosomal recessive inheritance. Affected: yes.

NM_020877.5(DNAH2):c.2648C>T (p.Ser883Leu)

Gene: DNAH2 (dynein axonemal heavy chain 2; plus strand). Cytogenetic location: 17p13.1.
Variant type: single nucleotide variant.
Coding change: c.2648C>T on transcript NM_020877.5 (MANE Select); coding-DNA position 2648, C replaced by T.
Protein change: p.Ser883Leu; replaces serine 883 with leucine.
Molecular consequence: missense variant.
Genome position (GRCh38, 1-based): chr17:7,759,801, C>T. VCF-style: chr17-7759801-C-T. GRCh37 (hg19) VCF-style: chr17-7663119-C-T.
Other names: short protein forms S883L.
Identifiers: ClinVar variation 402717 (VCV000402717.33), dbSNP rs118057786, ClinGen allele CA8356549.